The following is an entry in ClinVar:

ClinVar aggregate classification (germline): Uncertain significance (1 of 4 stars; one submission).

Conditions:
Inborn genetic diseases. Identifiers: MedGen C0950123, MeSH D030342.

Allele frequency attached by ClinVar (database versions not stated): gnomAD 0.00001; 1000 Genomes Project 30x 0.00016; 1000 Genomes Project 0.00020.

Submission:

Ambry Genetics
Classification: Uncertain significance for Inborn genetic diseases. Last evaluated: 2023-06-01. Review status: criteria provided, single submitter. Criteria: Ambry Variant Classification Scheme 2023. Collection method: clinical testing. Allele origin: germline.
Comment: The p.M507L variant (also known as c.1519A>C), located in coding exon 11 of the EPAS1 gene, results from an A to C substitution at nucleotide position 1519. The methionine at codon 507 is replaced by leucine, an amino acid with highly similar properties. This amino acid position is conserved. In addition, this alteration is predicted to be tolerated by in silico analysis. Since supporting evidence is limited at this time, the clinical significance of this alteration remains unclear.

NM_001430.5(EPAS1):c.1519A>C (p.Met507Leu)

Gene: EPAS1 (endothelial PAS domain protein 1; plus strand). Cytogenetic location: 2p21.
Variant type: single nucleotide variant.
Coding change: c.1519A>C on transcript NM_001430.5 (MANE Select); coding-DNA position 1519, A replaced by C.
Protein change: p.Met507Leu; replaces methionine 507 with leucine.
Molecular consequence: missense variant.
Genome position (GRCh38, 1-based): chr2:46,378,732, A>C. VCF-style: chr2-46378732-A-C. GRCh37 (hg19) VCF-style: chr2-46605871-A-C.
Other names: short protein forms M507L.
Identifiers: ClinVar variation 2565075 (VCV002565075.2), dbSNP rs572663017, ClinGen allele CA46564847.